The following is an entry in ClinVar:

ClinVar aggregate classification (germline): Uncertain significance. Review status: criteria provided, multiple submitters, no conflicts (2 of 4 stars). 2 submissions from 2 submitters: Uncertain significance (2). Last evaluated 2025-06-03.

Conditions:
Inborn genetic diseases. Identifiers: MedGen C0950123, MeSH D030342.
Complex neurodevelopmental disorder. Identifiers: Orphanet 528084, MedGen C5568766, MONDO:0100038.

gnomAD v4.1: 1 of 1,613,800 alleles (0.000062%); highest among the groups gnomAD compares: Non-Finnish European, 0.000085%; no homozygotes.

Submissions (2):

Ambry Genetics
Classification: Uncertain significance for Inborn genetic diseases. Last evaluated: 2025-06-03. Review status: criteria provided, single submitter. Criteria: Ambry Variant Classification Scheme 2023. Collection method: clinical testing. Allele origin: germline.

Molecular Genetics, Royal Melbourne Hospital
Classification: Uncertain significance for Complex neurodevelopmental disorder. Last evaluated: 2023-06-06. Review status: criteria provided, single submitter. Criteria: ACMG Guidelines, 2015. Collection method: clinical testing. Allele origin: germline. Inheritance: Autosomal dominant inheritance.
Comment: This sequence change in SCN2A is predicted to replace alanine with glycine at codon 1169, p.(Ala1169Gly). The alanine residue is highly conserved (94/98 vertebrates, UCSC), and is located in the cytoplasmic region of the sodium channel domain. There is a moderate physicochemical difference between alanine and glycine. This variant is absent from the population database gnomAD v2.1 and v3.1. To our knowledge, this variant is novel and has not been previously reported in the relevant scientific literature or databases. Computational evidence is uninformative for the missense substitution (REVEL = 0.5). Based on the classification scheme RMH Modified ACMG Guidelines v1.6.1, this variant is classified as a VARIANT OF UNCERTAIN SIGNIFICANCE. Following criteria are met: PM2_Supporting.

NM_001040142.2(SCN2A):c.3506C>G (p.Ala1169Gly)

Gene: SCN2A (sodium voltage-gated channel alpha subunit 2; plus strand). Cytogenetic location: 2q24.3.
Variant type: single nucleotide variant.
Coding change: c.3506C>G on transcript NM_001040142.2 (MANE Select); coding-DNA position 3506, C replaced by G.
Protein change: p.Ala1169Gly; replaces alanine 1169 with glycine.
Molecular consequence: missense variant.
Genome position (GRCh38, 1-based): chr2:165,365,249, C>G. VCF-style: chr2-165365249-C-G. GRCh37 (hg19) VCF-style: chr2-166221759-C-G.
Other names: c.3506C>G, p.Ala1169Gly (NM_001040143.2, NM_001371246.1, NM_001371247.1 and 1 more transcripts); c.3506C>G (NM_021007.2); short protein forms A1169G.
Identifiers: ClinVar variation 3068679 (VCV003068679.2), dbSNP rs951196379, ClinGen allele CA349025042.